The following is an entry in ClinVar:

ClinVar aggregate classification (germline): Uncertain significance. Review status: criteria provided, multiple submitters, no conflicts (2 of 4 stars). 2 submissions from 2 submitters: Uncertain significance (2). Last evaluated 2023-06-06.

Conditions:
Epileptic encephalopathy. Identifiers: MedGen C0543888, HP:0200134.

Allele frequency attached by ClinVar (database versions not stated): gnomAD exomes below 0.00001; gnomAD 0.00001; TOPMed 0.00002.
gnomAD v4.1: 3 of 1,613,714 alleles (0.00019%); highest among the groups gnomAD compares: African/African-American, 0.004%; no homozygotes.

Submissions (2):

Ambry Genetics
Classification: Uncertain significance. Last evaluated: 2023-06-06. Review status: criteria provided, single submitter. Criteria: Ambry Variant Classification Scheme 2023. Collection method: clinical testing. Allele origin: germline.

Labcorp Genetics (formerly Invitae), Labcorp
Classification: Uncertain significance for Epileptic encephalopathy. Last evaluated: 2022-08-10. Review status: criteria provided, single submitter. Criteria: Invitae Variant Classification Sherloc (09022015). Collection method: clinical testing. Allele origin: germline.
Comment: This sequence change replaces isoleucine, which is neutral and non-polar, with valine, which is neutral and non-polar, at codon 1874 of the RYR3 protein (p.Ile1874Val). This variant is not present in population databases (gnomAD no frequency). This variant has not been reported in the literature in individuals affected with RYR3-related conditions. ClinVar contains an entry for this variant (Variation ID: 1045576). Algorithms developed to predict the effect of missense changes on protein structure and function are either unavailable or do not agree on the potential impact of this missense change (SIFT: "Deleterious"; PolyPhen-2: "Benign"; Align-GVGD: "Class C25"). Algorithms developed to predict the effect of sequence changes on RNA splicing suggest that this variant may create or strengthen a splice site. In summary, the available evidence is currently insufficient to determine the role of this variant in disease. Therefore, it has been classified as a Variant of Uncertain Significance.

NM_001036.6(RYR3):c.5620A>G (p.Ile1874Val)

Gene: RYR3 (ryanodine receptor 3; plus strand). Cytogenetic location: 15q14.
Variant type: single nucleotide variant.
Coding change: c.5620A>G on transcript NM_001036.6 (MANE Select); coding-DNA position 5620, A replaced by G.
Protein change: p.Ile1874Val; replaces isoleucine 1874 with valine.
Molecular consequence: missense variant.
Genome position (GRCh38, 1-based): chr15:33,669,354, A>G. VCF-style: chr15-33669354-A-G. GRCh37 (hg19) VCF-style: chr15-33961555-A-G.
Other names: c.5620A>G, p.Ile1874Val (NM_001243996.4); c.5620A>G (NM_001036.3); short protein forms I1874V.
Identifiers: ClinVar variation 1045576 (VCV001045576.7), dbSNP rs568206904, ClinGen allele CA268544777.